The following is an entry in ClinVar:

ClinVar aggregate classification (germline): Uncertain significance. Review status: criteria provided, multiple submitters, no conflicts (2 of 4 stars). 2 submissions from 2 submitters: Uncertain significance (2). Last evaluated 2026-05-07.

Conditions:
Familial melanoma. Also called: Hereditary melanoma; Hereditary cutaneous melanoma. Identifiers: Orphanet 618, MedGen C1512419, MONDO:0018961.
Hereditary cancer-predisposing syndrome. Also called: Tumor predisposition; Hereditary neoplastic syndrome; Hereditary Cancer Syndrome; Neoplastic Syndromes, Hereditary. Identifiers: Orphanet 140162, MedGen C0027672, MeSH D009386, MONDO:0015356.

Submissions (2):

Ambry Genetics
Classification: Uncertain significance for Hereditary cancer-predisposing syndrome. Last evaluated: 2026-05-07. Review status: criteria provided, single submitter. Criteria: Ambry Variant Classification Scheme 2023. Collection method: clinical testing. Allele origin: germline.
Comment: The p.D108E variant (also known as c.324T>A), located in coding exon 2 of the CDKN2A gene, results from a T to A substitution at nucleotide position 324. Of note, this variant is also known as c.367T>A (p.C123S) in the p14(ARF) isoform. The aspartic acid at codon 108 is replaced by glutamic acid, an amino acid with highly similar properties. Another variant at the same codon, p.D108N (c.322G>A) has been identified in individual(s) with features consistent with melanoma-pancreatic cancer syndrome (Flores JF et al. Oncogene. 1997 Dec;15:2999-3005; Aitken J et al. J. Natl. Cancer Inst. 1999 Mar;91:446-52; Bishop DT et al. J. Natl. Cancer Inst. 2002 Jun;94:894-903; Begg CB et al. J. Natl. Cancer Inst. 2005 Oct;97:1507-15; Goldstein AM et al. Cancer Res. 2006 Oct;66:9818-28; Berwick M et al. Cancer Epidemiol. Biomarkers Prev. 2006 Aug;15:1520-5; Orlow I et al. J. Invest. Dermatol. 2007 May;127:1234-43; Goldstein AM et al. J. Med. Genet. 2007 Feb;44:99-106; Huot TJ et al. Mol. Cell. Biol. 2002 Dec;22:8135-43; Miller PJ et al. Hum. Mutat. 2011 Aug;32:900-11; Hallett ST et al. Cell Rep. 2017 Oct;21:1386-1398; Russo AA et al. Nature. 1998 Sep;395:237-43; Ambry internal data). This amino acid position is highly conserved in available vertebrate species. In addition, this alteration is predicted to be tolerated by in silico analysis. Based on the available evidence, the clinical significance of this variant remains unclear.

Labcorp Genetics (formerly Invitae), Labcorp
Classification: Uncertain significance for Familial melanoma. Last evaluated: 2021-01-08. Review status: criteria provided, single submitter. Criteria: Invitae Variant Classification Sherloc (09022015). Collection method: clinical testing. Allele origin: germline.
Comment: The CDKN2A gene encodes two different proteins, p16INK4a and p14ARF, which are translated from alternative transcripts that have different open reading frames. In summary, the available evidence is currently insufficient to determine the role of this variant in disease. Therefore, it has been classified as a Variant of Uncertain Significance. Experimental studies are conflicting or provide insufficient evidence to determine the effect of p.Asp108Glu on p16INK4a protein function (PMID: 21462282). The functional impact of p.Cys123Ser on p14ARF has not been tested. This variant has not been reported in the literature in individuals with CDKN2A (p16INK4a)-related conditions. This variant is not present in population databases (ExAC no frequency). This sequence change replaces aspartic acid with glutamic acid at codon 108 of the CDKN2A (p16INK4a) protein (p.Asp108Glu). The aspartic acid residue is highly conserved and there is a small physicochemical difference between aspartic acid and glutamic acid. Alternatively, this sequence change replaces cysteine with serine at codon 123 of the CDKN2A (p14ARF) protein (p.Cys123Ser). The cysteine residue is moderately conserved and there is a moderate physicochemical difference between cysteine and serine.

Literature cited by the submitters: PubMed 21462282 (cited by Labcorp Genetics (formerly Invitae), Labcorp).

NM_000077.5(CDKN2A):c.324T>A (p.Asp108Glu)

Gene: CDKN2A (cyclin dependent kinase inhibitor 2A; minus strand). Cytogenetic location: 9p21.3.
Variant type: single nucleotide variant.
Coding change: c.324T>A on transcript NM_000077.5; coding-DNA position 324, T replaced by A.
Protein change: p.Asp108Glu; replaces aspartic acid 108 with glutamic acid.
Molecular consequence: missense variant (on NM_000077.6). On other transcripts: 3 prime UTR variant (1).
Genome position (GRCh38, 1-based): chr9:21,971,035, A>T on the plus strand (T>A on the coding strand, the complement: CDKN2A is on the minus strand). VCF-style: chr9-21971035-A-T. GRCh37 (hg19) VCF-style: chr9-21971034-A-T.
Other names: c.324T>A, p.Asp108Glu (NM_000077.6, NM_001195132.2); c.171T>A, p.Asp57Glu (NM_001363763.2); c.367T>A, p.Cys123Ser (NM_058195.4); c.*247T>A (NM_058197.5); short protein forms C123S, D108E, D57E.
Identifiers: ClinVar variation 1498736 (VCV001498736.9), dbSNP rs2131093707, ClinGen allele CA373086059.
Genomic context (GRCh38, chr9:21,971,035, plus strand): 5'-CCGTGCGACATCGCGATGGCCCAGCTCCTCAGCCAGGTCCACGGGCAGACGGCCCCAGGC[A>T]TCGCGCACGTCCAGCCGCGCCCCGGCCCGGTGCAGCACCACCAGCGTGTCCAGGAAGCCC-3'
Protein context (NP_000068.1, residues 98-118): HRAGARLDVR[Asp108Glu]AWGRLPVDLA